The following is an entry in ClinVar:

NM_014639.4(SKIC3):c.860_861del (p.Lys287fs)

Gene: SKIC3 (SKI3 subunit of superkiller complex; minus strand). Cytogenetic location: 5q15.
Variant type: Deletion.
Coding change: c.860_861del on transcript NM_014639.4 (MANE Select); coding-DNA positions 860 to 861, 2 bases deleted (AG; older notation c.860_861delAG).
Protein change: p.Lys287fs; shifts the reading frame from lysine 287.
Molecular consequence: frameshift variant.
Genome position (GRCh38, 1-based): chr5:95,530,120-95,530,121, CT deleted on the plus strand (AG on the coding strand, the reverse complement: SKIC3 is on the minus strand). VCF-style (leftmost placement, unchanged base first): chr5-95530119-ACT-A. GRCh37 (hg19) VCF-style: chr5-94865823-ACT-A.
Other names: short protein forms K287fs.
Identifiers: ClinVar variation 818062 (VCV000818062.2), dbSNP rs1580193628, ClinGen allele CA915943418.
Genomic context (GRCh38, chr5:95,530,119, plus strand): 5'-CACGTTACATGCCATACACTGTACATTTACCTTCTGTTAGGTTCCTAACAGCATCTTCAT[ACT>A]TTTTGTCTTGTAATGCTTTAATGCCTAAGCCAATGAGGCCTGGACCACTTTTTGAATCCA-3'

ClinVar aggregate classification (germline): Pathogenic (1 of 4 stars; one submission).

Submission:

GeneDx
Classification: Pathogenic. Last evaluated: 2019-03-25. Review status: criteria provided, single submitter. Criteria: GeneDx Variant Classification (06012015). Collection method: clinical testing. Allele origin: germline. Affected: yes.
Comment: The c.860_861delAG variant in the TTC37 gene has not been reported previously as a pathogenic variant nor as a benign variant, to our knowledge. The c.860_861delAG variant causes a frameshift starting with codon Lysine 287, changes this amino acid to a Isoleucine residue, and creates a premature Stop codon at position 2 of the new reading frame, denoted p.Lys287IlefsX2. This variant is predicted to cause loss of normal protein function either through protein truncation or nonsense-mediated mRNA decay. The c.860_861delAG variant is not observed in large population cohorts (Lek et al., 2016). We interpret c.860_861delAG as a pathogenic variant.